The following is an entry in ClinVar:

ClinVar aggregate classification (germline): Uncertain significance. Review status: criteria provided, multiple submitters, no conflicts (2 of 4 stars). 3 submissions from 3 submitters: Uncertain significance (3). Last evaluated 2025-11-17.

Conditions:
Hereditary cancer-predisposing syndrome. Also called: Tumor predisposition; Neoplastic Syndromes, Hereditary; Hereditary neoplastic syndrome; Hereditary Cancer Syndrome. Identifiers: Orphanet 140162, MedGen C0027672, MeSH D009386, MONDO:0015356.

Submissions (3):

Labcorp Genetics (formerly Invitae), Labcorp
Classification: Uncertain significance. Last evaluated: 2025-11-17. Review status: criteria provided, single submitter. Criteria: Invitae Variant Classification Sherloc (09022015). Collection method: clinical testing. Allele origin: germline.
Comment: This sequence change replaces valine, which is neutral and non-polar, with serine, which is neutral and polar, at codon 618 of the CTNNA1 protein (p.Val618Ser). Information on the frequency of this variant in the gnomAD database is not available, as this variant may be reported differently in the database. This variant has not been reported in the literature in individuals affected with CTNNA1-related conditions. ClinVar contains an entry for this variant (Variation ID: 3364531). An algorithm developed to predict the effect of missense changes on protein structure and function (PolyPhen-2) suggests that this variant is likely to be disruptive. In summary, the available evidence is currently insufficient to determine the role of this variant in disease. Therefore, it has been classified as a Variant of Uncertain Significance.

Ambry Genetics
Classification: Uncertain significance for Hereditary cancer-predisposing syndrome. Last evaluated: 2025-11-04. Review status: criteria provided, single submitter. Criteria: Ambry Variant Classification Scheme 2023. Collection method: clinical testing. Allele origin: germline.
Comment: The c.1852_1853delGTinsTC variant, located in coding exon 12 of the CTNNA1 gene, results from an in-frame deletion of GT and insertion of TC at nucleotide positions 1852 to 1853. This results in the substitution of the valine residue for a serine residue at codon 618, an amino acid with dissimilar properties. This amino acid position is highly conserved in available vertebrate species. In addition, the in silico prediction for this variant is inconclusive (Choi Y et al. PLoS ONE. 2012; 7(10):e46688). Based on the available evidence, the clinical significance of this variant remains unclear.

GeneDx
Classification: Uncertain significance. Last evaluated: 2023-11-16. Review status: criteria provided, single submitter. Criteria: GeneDx Variant Classification Process June 2021. Collection method: clinical testing. Allele origin: germline. Affected: yes.
Comment: Not observed at significant frequency in large population cohorts (gnomAD); In silico analysis supports a deleterious effect on protein structure/function; Has not been previously published as pathogenic or benign to our knowledge

NM_001903.5(CTNNA1):c.1852_1853delinsTC (p.Val618Ser)

Gene: CTNNA1 (catenin alpha 1; plus strand). Cytogenetic location: 5q31.2.
Variant type: Indel.
Coding change: c.1852_1853delinsTC on transcript NM_001903.5 (MANE Select); coding-DNA positions 1852 to 1853, GT replaced by TC.
Protein change: p.Val618Ser; replaces valine 618 with serine.
Molecular consequence: missense variant.
Genome position (GRCh38, 1-based): chr5:138,925,360-138,925,361, GT replaced by TC. VCF-style: chr5-138925360-GT-TC. GRCh37 (hg19) VCF-style: chr5-138261049-GT-TC.
Other names: c.1852_1853delGTinsTC (NM_001903.2); c.1852_1853delinsTC, p.Val618Ser (NM_001290307.3, NM_001323982.2, NM_001323983.1 and 2 more transcripts); c.1543_1544delinsTC, p.Val515Ser (NM_001290309.3); c.1483_1484delinsTC, p.Val495Ser (NM_001290310.3); c.742_743delinsTC, p.Val248Ser (NM_001290312.1, NM_001323987.1, NM_001323988.1 and 17 more transcripts); c.1759_1760delinsTC, p.Val587Ser (NM_001323986.2); c.403_404delinsTC, p.Val135Ser (NM_001324006.1, NM_001324007.1, NM_001324008.1 and 2 more transcripts); c.649_650delinsTC, p.Val217Ser (NM_001324011.1); and 1 more; short protein forms V135S, V167S, V217S, V248S, V495S, V515S, V587S, V618S.
Identifiers: ClinVar variation 3364531 (VCV003364531.3).